The following is an entry in ClinVar:

NM_001395159.1(UNC79):c.3623T>C (p.Leu1208Ser)

Gene: UNC79 (unc-79 homolog, NALCN channel complex subunit; plus strand). Cytogenetic location: 14q32.12.
Variant type: single nucleotide variant.
Coding change: c.3623T>C on transcript NM_001395159.1 (MANE Select); coding-DNA position 3623, T replaced by C.
Protein change: p.Leu1208Ser; replaces leucine 1208 with serine.
Molecular consequence: missense variant.
Genome position (GRCh38, 1-based): chr14:93,603,287, T>C. VCF-style: chr14-93603287-T-C. GRCh37 (hg19) VCF-style: chr14-94069633-T-C.
Other names: c.3623T>C, p.Leu1208Ser (NM_001346218.2); c.3092T>C, p.Leu1031Ser (NM_020818.5); short protein forms L1031S, L1208S.
Identifiers: ClinVar variation 3364787 (VCV003364787.1).

ClinVar aggregate classification (germline): Uncertain significance (1 of 4 stars; one submission).

Submission:

GeneDx
Classification: Uncertain significance. Last evaluated: 2023-11-28. Review status: criteria provided, single submitter. Criteria: GeneDx Variant Classification Process June 2021. Collection method: clinical testing. Allele origin: germline. Affected: yes.
Comment: Not observed at significant frequency in large population cohorts (gnomAD); In silico analysis supports that this missense variant does not alter protein structure/function; Has not been previously published as pathogenic or benign to our knowledge